The following is an entry in ClinVar:

ClinVar aggregate classification (germline): Likely benign (1 of 4 stars; one submission).

Conditions:
Peutz-Jeghers syndrome (PJS). Also called: POLYPOSIS, HAMARTOMATOUS INTESTINAL; POLYPS-AND-SPOTS SYNDROME; Peutz-Jeghers polyposis; Periorificial lentiginosis syndrome. Identifiers: Orphanet 2869, MedGen C0031269, MeSH D010580, MONDO:0008280, OMIM 175200.

Submission:

Myriad Genetics, Inc.
Classification: Likely benign for Peutz-Jeghers syndrome. Last evaluated: 2025-03-27. Review status: criteria provided, single submitter. Criteria: Myriad Autosomal Dominant, Autosomal Recessive and X-Linked Classification Criteria (2023). Collection method: clinical testing. Allele origin: unknown.
Comment: This variant is considered likely benign. This variant is intronic and is not expected to impact mRNA splicing.

NM_000455.5(STK11):c.862+10T>C

Gene: STK11 (serine/threonine kinase 11; plus strand). Cytogenetic location: 19p13.3.
Variant type: single nucleotide variant.
Coding change: c.862+10T>C on transcript NM_000455.5 (MANE Select); 10 bases into the intron after coding-DNA position 862, T replaced by C.
Molecular consequence: intron variant.
Genome position (GRCh38, 1-based): chr19:1,221,350, T>C. VCF-style: chr19-1221350-T-C. GRCh37 (hg19) VCF-style: chr19-1221349-T-C.
Other names: c.862+10T>C (NM_001407255.1).
Identifiers: ClinVar variation 3903677 (VCV003903677.1).
Genomic context (GRCh38, chr19:1,221,350, plus strand): 5'-GCTACGCCATCCCGGGCGACTGTGGCCCCCCGCTCTCTGACCTGCTGAAAGGTGGGAGCC[T>C]CATCCCTCTGCCCGCAGCCCCAGGGAGGCGGGGCTTTTGTGCAGAAATGTAGGGTTGGGG-3'